The following is an entry in ClinVar:

ClinVar aggregate classification (germline): Uncertain significance. Review status: criteria provided, multiple submitters, no conflicts (2 of 4 stars). 3 submissions from 3 submitters: Uncertain significance (3). Last evaluated 2026-04-22.

Conditions:
Inborn genetic diseases. Identifiers: MedGen C0950123, MeSH D030342.
Temtamy preaxial brachydactyly syndrome (TPBS). Identifiers: Orphanet 363417, MedGen C1854466, MONDO:0011533, OMIM 605282.

Allele frequency attached by ClinVar (database versions not stated): ExAC 0.00002; gnomAD 0.00015; 1000 Genomes Project 0.00040; 1000 Genomes Project 30x 0.00047.
gnomAD v4.1: 44 of 1,614,094 alleles (0.0027%); highest among the groups gnomAD compares: Admixed American, 0.055%; no homozygotes.

Submissions (3):

Greenwood Genetic Center Diagnostic Laboratories, Greenwood Genetic Center
Classification: Uncertain significance. Last evaluated: 2026-04-22. Review status: criteria provided, single submitter. Criteria: ACMG Guidelines, 2015. Collection method: clinical testing. Allele origin: germline.
Comment: PM2, BP4

Ambry Genetics
Classification: Uncertain significance for Inborn genetic diseases. Last evaluated: 2024-11-08. Review status: criteria provided, single submitter. Criteria: Ambry Variant Classification Scheme 2023. Collection method: clinical testing. Allele origin: germline.

Labcorp Genetics (formerly Invitae), Labcorp
Classification: Uncertain significance for Temtamy preaxial brachydactyly syndrome. Last evaluated: 2022-06-17. Review status: criteria provided, single submitter. Criteria: Invitae Variant Classification Sherloc (09022015). Collection method: clinical testing. Allele origin: germline.
Comment: This sequence change replaces proline, which is neutral and non-polar, with glutamine, which is neutral and polar, at codon 135 of the CHSY1 protein (p.Pro135Gln). This variant is present in population databases (rs181832555, gnomAD 0.009%). This variant has not been reported in the literature in individuals affected with CHSY1-related conditions. Algorithms developed to predict the effect of missense changes on protein structure and function (SIFT, PolyPhen-2, Align-GVGD) all suggest that this variant is likely to be tolerated. In summary, the available evidence is currently insufficient to determine the role of this variant in disease. Therefore, it has been classified as a Variant of Uncertain Significance.

NM_014918.5(CHSY1):c.404C>A (p.Pro135Gln)

Gene: CHSY1 (chondroitin sulfate synthase 1; minus strand). Cytogenetic location: 15q26.3.
Variant type: single nucleotide variant.
Coding change: c.404C>A on transcript NM_014918.5 (MANE Select); coding-DNA position 404, C replaced by A.
Protein change: p.Pro135Gln; replaces proline 135 with glutamine.
Molecular consequence: missense variant.
Genome position (GRCh38, 1-based): chr15:101,235,494, G>T on the plus strand (C>A on the coding strand, the complement: CHSY1 is on the minus strand). VCF-style: chr15-101235494-G-T. GRCh37 (hg19) VCF-style: chr15-101775699-G-T.
Other names: c.404C>A (NM_014918.4); short protein forms P135Q.
Identifiers: ClinVar variation 2074934 (VCV002074934.3), dbSNP rs181832555, ClinGen allele CA7762734.